The following is an entry in ClinVar:

ClinVar aggregate classification (germline): Pathogenic. Review status: criteria provided, multiple submitters, no conflicts (2 of 4 stars). 3 submissions from 3 submitters: Pathogenic (3). Last evaluated 2025-10-14.

Conditions:
Noonan syndrome 7 (NS7). Also called: BRAF-Related Noonan Syndrome. Identifiers: Orphanet 648, MedGen C3150970, MONDO:0013379, OMIM 613706.

Submissions (3):

Dasa
Classification: Pathogenic. Last evaluated: 2025-10-14. Review status: criteria provided, single submitter. Criteria: DASA Assertion Criteria. Collection method: clinical testing. Allele origin: germline.
Comment: NM_004333.6(BRAF):c.1390G>C (p.Gly464Arg) is a missense variant that results in the substitution of glycine with arginine. This variant results in the same amino acid change as a previously established pathogenic variant. Functional evidence supports a deleterious effect on the gene or gene product (PMID: 33274568; PMID: 29493581). This variant has been recurrently observed in individuals with related phenotype (PMID: 33274568; PMID: 29493581). Segregation evidence has been reported in affected families. Multiple computational predictions support a deleterious effect on the gene or gene product. The variant is present at low frequency in population datasets. Based on the available data, this variant is classified as pathogenic.

3billion
Classification: Pathogenic for Noonan syndrome 7. Last evaluated: 2025-05-20. Review status: criteria provided, single submitter. Criteria: ACMG Guidelines, 2015. Collection method: clinical testing. Allele origin: germline. Affected: yes.
Comment: The variant is not observed in the gnomAD v4.1.0 dataset. Predicted Consequence/Location: The variant is located in a mutational hot spot and/or well-established functional domain in which established pathogenic variants have been reported (PMID: 29493581, 29493581). Missense variant. Missense changes are a common disease-causing mechanism. In silico tool predictions suggest damaging effect of the variant on gene or gene product [REVEL: 0.94 (>=0.6, sensitivity 0.68 and specificity 0.92); 3Cnet: 1.00 (> 0.75, sensitivity 0.96 and precision 0.92)]. The same nucleotide change resulting in the same amino acid change has been previously reported as pathogenic/likely pathogenic with strong evidence (ClinVar ID: VCV000279992 /PMID: 33128510). Different missense changes at the same codon (p.Gly464Ala, p.Gly464Glu, p.Gly464Val) have been reported as pathogenic/likely pathogenic with strong evidence (ClinVar ID: VCV000013964, VCV000040364, VCV000040365 /PMID: 18413255, 33040082 /3billion dataset). Therefore, this variant is classified as Pathogenic according to the recommendation of ACMG/AMP guideline.

GeneDx
Classification: Pathogenic. Last evaluated: 2017-04-18. Review status: criteria provided, single submitter. Criteria: GeneDx Variant Classification (06012015). Collection method: clinical testing. Allele origin: germline. Affected: yes.
Comment: The G464R pathogenic variant has been reported previously in association with a BRAF-related disorder (Nava et al., 2007). The G464R variant was not observed in approximately 6,500 individuals of European and African American ancestry in the NHLBI Exome Sequencing Project, indicating it is not a common benign variant in these populations. The G464R variant is a non-conservative amino acid substitution that occurs at a position that is conserved across species. In silico analysis predicts this variant is probably damaging to the protein structure/function. Missense variants in nearby residues (F468S, G469R, G469E) have been reported in the Human Gene Mutation Database in association with cardio-facio-cutaneous syndrome (Stenson et al., 2014), supporting the functional importance of this region of the protein.

Literature cited by the submitters: PubMed 33274568 (cited by Dasa); PubMed 29493581 (cited by Dasa); PubMed 33128510 (cited by 3billion); PubMed 18413255 (cited by 3billion).

NM_004333.6(BRAF):c.1390G>C (p.Gly464Arg)

Gene: BRAF (B-Raf proto-oncogene, serine/threonine kinase; minus strand). Cytogenetic location: 7q34.
Variant type: single nucleotide variant.
Coding change: c.1390G>C on transcript NM_004333.6 (MANE Select); coding-DNA position 1390, G replaced by C.
Protein change: p.Gly464Arg; replaces glycine 464 with arginine.
Molecular consequence: missense variant.
Genome position (GRCh38, 1-based): chr7:140,781,618, C>G on the plus strand (G>C on the coding strand, the complement: BRAF is on the minus strand). VCF-style: chr7-140781618-C-G. GRCh37 (hg19) VCF-style: chr7-140481418-C-G.
Other names: c.1390G>C, p.Gly464Arg (NM_001354609.2, NM_001378468.1, NM_001378474.1); c.1510G>C, p.Gly504Arg (NM_001374244.1, NM_001374258.1); c.1399G>C, p.Gly467Arg (NM_001378467.1); c.1324G>C, p.Gly442Arg (NM_001378469.1); c.1288G>C, p.Gly430Arg (NM_001378470.1); c.1279G>C, p.Gly427Arg (NM_001378471.1); c.1234G>C, p.Gly412Arg (NM_001378472.1, NM_001378473.1); c.1126G>C, p.Gly376Arg (NM_001378475.1); short protein forms G464R, G376R, G412R, G427R, G430R, G442R, G467R, G504R.
Identifiers: ClinVar variation 279992 (VCV000279992.4), dbSNP rs121913349, ClinGen allele CA10602955.